The following is an entry in ClinVar:

NM_001244008.2(KIF1A):c.4340G>A (p.Arg1447Gln)

Gene: KIF1A (kinesin family member 1A; minus strand). Cytogenetic location: 2q37.3.
Variant type: single nucleotide variant.
Coding change: c.4340G>A on transcript NM_001244008.2 (MANE Select); coding-DNA position 4340, G replaced by A.
Protein change: p.Arg1447Gln; replaces arginine 1447 with glutamine.
Molecular consequence: missense variant.
Genome position (GRCh38, 1-based): chr2:240,723,537, C>T on the plus strand (G>A on the coding strand, the complement: KIF1A is on the minus strand). VCF-style: chr2-240723537-C-T. GRCh37 (hg19) VCF-style: chr2-241662954-C-T.
Other names: c.4064G>A, p.Arg1355Gln (NM_001320705.2, NM_001379649.1); c.4091G>A, p.Arg1364Gln (NM_001330289.2); c.4139G>A, p.Arg1380Gln (NM_001330290.2, NM_001379648.1); c.4415G>A, p.Arg1472Gln (NM_001379631.1); c.4316G>A, p.Arg1439Gln (NM_001379632.1); c.4313G>A, p.Arg1438Gln (NM_001379633.1, NM_001379645.1); c.4166G>A, p.Arg1389Gln (NM_001379634.1); c.4163G>A, p.Arg1388Gln (NM_001379635.1, NM_001379646.1); and 7 more; short protein forms R1364Q, R1371Q, R1380Q, R1388Q, R1447Q, R1472Q, R1346Q, R1363Q.
Identifiers: ClinVar variation 970742 (VCV000970742.35), dbSNP rs1294960500, ClinGen allele CA351305629.
Genomic context (GRCh38, chr2:240,723,537, plus strand): 5'-GGCCTCCAGCCTGCCAGGTTCTCCTCGCCCCGGACATAGGCCACAGATGTGTCCAGGACT[C>T]GTCGGCGCCGGCGCTGCATCCCTGCATGGGGCACGTGGACATTCCACCCCTACCTGATGG-3'
Protein context (NP_001230937.1, residues 1437-1457): GSPGMQRRRR[Arg1447Gln]VLDTSVAYVR

ClinVar aggregate classification (germline): Uncertain significance. Review status: criteria provided, multiple submitters, no conflicts (2 of 4 stars). 3 submissions from 3 submitters: Uncertain significance (3). Last evaluated 2024-03-04.

Conditions:
Neuropathy, hereditary sensory, type 2C. Also called: Hereditary sensory and autonomic neuropathy type IIC; KIF1A-Related HSAN2 (HSAN2C). Identifiers: Orphanet 970, MedGen C3280168, MONDO:0013634, OMIM 614213.
Intellectual disability, autosomal dominant 9 (NESCAVS). Also called: NESCAV SYNDROME; KIF1A-Related Neurodevelopmental Disorder. Identifiers: Orphanet 662367, MedGen C5393830, MONDO:0013656, OMIM 614255.
Hereditary spastic paraplegia 30. Identifiers: Orphanet 101010, MedGen C5235139, MONDO:0012476.

Allele frequency attached by ClinVar (database versions not stated): TOPMed below 0.00001.
gnomAD v4.1: 2 of 1,540,902 alleles (0.00013%); highest among the groups gnomAD compares: Middle Eastern, 0.022%; no homozygotes.

Submissions (3):

Labcorp Genetics (formerly Invitae), Labcorp
Classification: Uncertain significance for Hereditary spastic paraplegia 30; Neuropathy, hereditary sensory, type 2C; Intellectual disability, autosomal dominant 9. Last evaluated: 2024-03-04. Review status: criteria provided, single submitter. Criteria: Invitae Variant Classification Sherloc (09022015). Collection method: clinical testing. Allele origin: germline.
Comment: This sequence change replaces arginine, which is basic and polar, with glutamine, which is neutral and polar, at codon 1346 of the KIF1A protein (p.Arg1346Gln). This variant is not present in population databases (gnomAD no frequency). This variant has not been reported in the literature in individuals affected with KIF1A-related conditions. ClinVar contains an entry for this variant (Variation ID: 970742). Advanced modeling of protein sequence and biophysical properties (such as structural, functional, and spatial information, amino acid conservation, physicochemical variation, residue mobility, and thermodynamic stability) performed at Invitae indicates that this missense variant is not expected to disrupt KIF1A protein function with a negative predictive value of 95%. In summary, the available evidence is currently insufficient to determine the role of this variant in disease. Therefore, it has been classified as a Variant of Uncertain Significance.

CeGaT Center for Human Genetics Tuebingen
Classification: Uncertain significance. Last evaluated: 2023-10-01. Review status: criteria provided, single submitter. Criteria: CeGaT Center For Human Genetics Tuebingen Variant Classification Criteria Version 2. Collection method: clinical testing. Allele origin: germline. Affected: yes. Observed: 1 variant allele.
Comment: KIF1A: PM2

Blueprint Genetics
Classification: Uncertain significance. Last evaluated: 2021-07-16. Review status: criteria provided, single submitter. Criteria: ACMG Guidelines, 2015. Collection method: clinical testing. Allele origin: germline.